The following is an entry in ClinVar:

ClinVar aggregate classification (germline): Benign (0 of 4 stars; one submission).

Conditions:
DCHS2-related disorder. Also called: DCHS2-related condition.

Allele frequency attached by ClinVar (database versions not stated): ESP Exome Variant Server 0.24919; TOPMed 0.25168; gnomAD 0.25416; ExAC 0.27010; 1000 Genomes Project 30x 0.32027; 1000 Genomes Project 0.32149.
gnomAD v4.1: 329,207 of 1,608,400 alleles (20%); highest among the groups gnomAD compares: African/African-American, 40%; 37,559 homozygotes.

Submission:

PreventionGenetics, part of Exact Sciences
Classification: Benign for DCHS2-related condition. Last evaluated: 2019-11-11. Review status: no assertion criteria provided. Collection method: clinical testing. Allele origin: germline.
Comment: This variant is classified as benign based on ACMG/AMP sequence variant interpretation guidelines (Richards et al. 2015 PMID: 25741868, with internal and published modifications).

NM_001358235.2(DCHS2):c.2053-13815C>T

Gene: DCHS2 (dachsous cadherin-related 2; minus strand). Cytogenetic location: 4q31.3.
Variant type: single nucleotide variant.
Coding change: c.2053-13815C>T on transcript NM_001358235.2 (MANE Select); 13815 bases into the intron before coding-DNA position 2053, C replaced by T.
Molecular consequence: intron variant.
Genome position (GRCh38, 1-based): chr4:154,391,259, G>A on the plus strand (C>T on the coding strand, the complement: DCHS2 is on the minus strand). VCF-style: chr4-154391259-G-A. GRCh37 (hg19) VCF-style: chr4-155312411-G-A.
Other names: NM_017639.3:c.39C>T; c.2053-13815C>T (NM_001142552.2).
Identifiers: ClinVar variation 3060034 (VCV003060034.2), dbSNP rs62331900, ClinGen allele CA3113732.
Genomic context (GRCh38, chr4:154,391,259, plus strand): 5'-CACCTCATATACACAGGCATCAGTACTTTCAAACTGCTGAGTAAACATCTTCTTTTCTCC[G>A]TCTTCATTCTCTGATTTCGTTATCTCATCCAGTCTCATGATTTTAAATATCTCCTATATG-3'